The following is an entry in ClinVar:

ClinVar aggregate classification (germline): Uncertain significance (1 of 4 stars; one submission).

gnomAD v4.1: 1 of 1,612,684 alleles (0.000062%); highest among the groups gnomAD compares: Non-Finnish European, 0.000085%; no homozygotes.

Submission:

GeneDx
Classification: Uncertain significance. Last evaluated: 2024-03-05. Review status: criteria provided, single submitter. Criteria: GeneDx Variant Classification Process June 2021. Collection method: clinical testing. Allele origin: germline. Affected: yes.
Comment: Not observed at significant frequency in large population cohorts (gnomAD); Located in a region that tolerates variation and lacks pathogenic variants; Has not been previously published as pathogenic or benign to our knowledge

NM_000138.5(FBN1):c.*4A>G

Gene: FBN1 (fibrillin 1; minus strand). Cytogenetic location: 15q21.1.
Variant type: single nucleotide variant.
Coding change: c.*4A>G on transcript NM_000138.5 (MANE Select); 4 bases downstream of the stop codon, A replaced by G.
Molecular consequence: 3 prime UTR variant.
Genome position (GRCh38, 1-based): chr15:48,410,986, T>C on the plus strand (A>G on the coding strand, the complement: FBN1 is on the minus strand). VCF-style: chr15-48410986-T-C. GRCh37 (hg19) VCF-style: chr15-48703183-T-C.
Other names: c.*4A>G (NM_001406716.1).
Identifiers: ClinVar variation 3373724 (VCV003373724.1).